The following is an entry in ClinVar:

NM_182914.3(SYNE2):c.14057A>G (p.Glu4686Gly)

Gene: SYNE2 (spectrin repeat containing nuclear envelope protein 2; plus strand). Cytogenetic location: 14q23.2.
Variant type: single nucleotide variant.
Coding change: c.14057A>G on transcript NM_182914.3 (MANE Select); coding-DNA position 14057, A replaced by G.
Protein change: p.Glu4686Gly; replaces glutamic acid 4686 with glycine.
Molecular consequence: missense variant.
Genome position (GRCh38, 1-based): chr14:64,129,819, A>G. VCF-style: chr14-64129819-A-G. GRCh37 (hg19) VCF-style: chr14-64596537-A-G.
Other names: c.14057A>G, p.Glu4686Gly (NM_015180.6); short protein forms E4686G.
Identifiers: ClinVar variation 313594 (VCV000313594.20), dbSNP rs10133691, ClinGen allele CA7222670.

ClinVar aggregate classification (germline): Benign. Review status: criteria provided, multiple submitters, no conflicts (2 of 4 stars). 5 submissions from 5 submitters: Benign (4). 1 of the submissions does not count toward it. Last evaluated 2026-01-27.

Conditions:
Emery-Dreifuss muscular dystrophy 5, autosomal dominant (EDMD5). Also called: EMERY-DREIFUSS MUSCULAR DYSTROPHY 5. Identifiers: Orphanet 261, MedGen C2751805, MONDO:0013072, OMIM 612999.
SYNE2-related disorder. Also called: SYNE2-related condition.

Allele frequency attached by ClinVar (database versions not stated): ESP Exome Variant Server 0.00592; gnomAD 0.00624; TOPMed 0.00652; 1000 Genomes Project 0.00699; 1000 Genomes Project 30x 0.00703.
gnomAD v4.1: 1,823 of 1,614,208 alleles (0.11%); highest among the groups gnomAD compares: African/African-American, 2.1%; 18 homozygotes.

Submissions (5):

Labcorp Genetics (formerly Invitae), Labcorp
Classification: Benign for Emery-Dreifuss muscular dystrophy 5, autosomal dominant. Last evaluated: 2026-01-27. Review status: criteria provided, single submitter. Criteria: Invitae Variant Classification Sherloc (09022015). Collection method: clinical testing. Allele origin: germline.

Athena Diagnostics
Classification: Benign. Last evaluated: 2024-04-15. Review status: criteria provided, single submitter. Criteria: Athena Diagnostics Criteria. Collection method: clinical testing. Allele origin: unknown.

Illumina Laboratory Services, Illumina
Classification: Benign for Emery-Dreifuss muscular dystrophy 5, autosomal dominant. Last evaluated: 2018-01-13. Review status: criteria provided, single submitter. Criteria: ICSL Variant Classification Criteria 13 December 2019. Collection method: clinical testing. Allele origin: germline.
Comment: This variant was observed in the ICSL laboratory as part of a predisposition screen in an ostensibly healthy population. It had not been previously curated by ICSL or reported in the Human Gene Mutation Database (HGMD: prior to June 1st, 2018), and was therefore a candidate for classification through an automated scoring system. Utilizing variant allele frequency, disease prevalence and penetrance estimates, and inheritance mode, an automated score was calculated to assess if this variant is too frequent to cause the disease. Based on the score and internal cut-off values, a variant classified as benign is not then subjected to further curation. The score for this variant resulted in a classification of benign for this disease.

Breakthrough Genomics
Classification: Benign. Review status: criteria provided, single submitter. Criteria: ACMG Guidelines, 2015. Collection method: not provided. Allele origin: germline. Inheritance: Autosomal dominant inheritance. Affected: yes.

PreventionGenetics, part of Exact Sciences
Classification: Benign for SYNE2-related condition. Last evaluated: 2019-03-19. Review status: no assertion criteria provided. Collection method: clinical testing. Allele origin: germline. Not counted in ClinVar's aggregate classification.
Comment: This variant is classified as benign based on ACMG/AMP sequence variant interpretation guidelines (Richards et al. 2015 PMID: 25741868, with internal and published modifications).